The following is an entry in ClinVar:

ClinVar aggregate classification (germline): Uncertain significance. Review status: criteria provided, multiple submitters, no conflicts (2 of 4 stars). 3 submissions from 3 submitters: Uncertain significance (3). Last evaluated 2024-05-07.

Conditions:
Hereditary nonpolyposis colorectal neoplasms. Identifiers: MedGen C0009405, MeSH D003123.
Hereditary cancer-predisposing syndrome. Also called: Tumor predisposition; Hereditary Cancer Syndrome; Hereditary neoplastic syndrome; Neoplastic Syndromes, Hereditary. Identifiers: Orphanet 140162, MedGen C0027672, MeSH D009386, MONDO:0015356.

Allele frequency attached by ClinVar (database versions not stated): gnomAD exomes below 0.00001; ExAC 0.00001.
gnomAD v4.1: 1 of 1,606,486 alleles (0.000062%); highest among the groups gnomAD compares: East Asian, 0.0022%; no homozygotes.

Submissions (3):

Labcorp Genetics (formerly Invitae), Labcorp
Classification: Uncertain significance for Hereditary nonpolyposis colorectal neoplasms. Last evaluated: 2024-05-07. Review status: criteria provided, single submitter. Criteria: Invitae Variant Classification Sherloc (09022015). Collection method: clinical testing. Allele origin: germline.
Comment: This sequence change replaces threonine, which is neutral and polar, with serine, which is neutral and polar, at codon 777 of the PMS2 protein (p.Thr777Ser). The frequency data for this variant in the population databases (gnomAD) is considered unreliable due to the presence of homologous sequence, such as pseudogenes or paralogs, in the genome. This missense change has been observed in individual(s) with breast cancer (PMID: 35449176). ClinVar contains an entry for this variant (Variation ID: 411065). Advanced modeling of protein sequence and biophysical properties (such as structural, functional, and spatial information, amino acid conservation, physicochemical variation, residue mobility, and thermodynamic stability) has been performed at Invitae for this missense variant, however the output from this modeling did not meet the statistical confidence thresholds required to predict the impact of this variant on PMS2 protein function. In summary, the available evidence is currently insufficient to determine the role of this variant in disease. Therefore, it has been classified as a Variant of Uncertain Significance.

Ambry Genetics
Classification: Uncertain significance for Hereditary cancer-predisposing syndrome. Last evaluated: 2023-06-14. Review status: criteria provided, single submitter. Criteria: Ambry Variant Classification Scheme 2023. Collection method: clinical testing. Allele origin: germline.
Comment: The p.T777S variant (also known as c.2330C>G), located in coding exon 14 of the PMS2 gene, results from a C to G substitution at nucleotide position 2330. The threonine at codon 777 is replaced by serine, an amino acid with similar properties. This amino acid position is highly conserved in available vertebrate species. In addition, the in silico prediction for this alteration is inconclusive. Since supporting evidence is limited at this time, the clinical significance of this alteration remains unclear.

Color Diagnostics, LLC DBA Color Health
Classification: Uncertain significance for Hereditary cancer-predisposing syndrome. Last evaluated: 2022-12-05. Review status: criteria provided, single submitter. Criteria: ACMG Guidelines, 2015. Collection method: clinical testing. Allele origin: germline.
Comment: This missense variant replaces threonine with serine at codon 777 of the PMS2 protein. Computational prediction suggests that this variant may not impact protein structure and function (internally defined REVEL score threshold <= 0.5, PMID: 27666373). To our knowledge, functional studies have not been reported for this variant. This variant has not been reported in individuals affected with PMS2-related disorders in the literature. This variant has been identified in 1/250194 chromosomes in the general population by the Genome Aggregation Database (gnomAD). The available evidence is insufficient to determine the role of this variant in disease conclusively. Therefore, this variant is classified as a Variant of Uncertain Significance.

Literature cited by the submitters: PubMed 35449176 (cited by Labcorp Genetics (formerly Invitae), Labcorp).

NM_000535.7(PMS2):c.2330C>G (p.Thr777Ser)

Gene: PMS2 (PMS1 homolog 2, mismatch repair system component; minus strand). Cytogenetic location: 7p22.1.
Variant type: single nucleotide variant.
Coding change: c.2330C>G on transcript NM_000535.7 (MANE Select); coding-DNA position 2330, C replaced by G.
Protein change: p.Thr777Ser; replaces threonine 777 with serine.
Molecular consequence: missense variant. On other transcripts: non-coding transcript variant (1).
Genome position (GRCh38, 1-based): chr7:5,977,703, G>C on the plus strand (C>G on the coding strand, the complement: PMS2 is on the minus strand). VCF-style: chr7-5977703-G-C. GRCh37 (hg19) VCF-style: chr7-6017334-G-C.
Other names: c.1925C>G, p.Thr642Ser (NM_001322003.2, NM_001322004.2, NM_001322005.2); c.2174C>G, p.Thr725Ser (NM_001322006.2); c.2012C>G, p.Thr671Ser (NM_001322007.2, NM_001322008.2); c.1958C>G, p.Thr653Ser (NM_001322009.2); c.1769C>G, p.Thr590Ser (NM_001322010.2); c.1397C>G, p.Thr466Ser (NM_001322011.2, NM_001322012.2); c.1757C>G, p.Thr586Ser (NM_001322013.2); c.2363C>G, p.Thr788Ser (NM_001322014.2); and 1 more; short protein forms T777S, T590S, T671S, T788S, T466S, T642S, T674S, T586S.
Identifiers: ClinVar variation 411065 (VCV000411065.13), dbSNP rs777728316, ClinGen allele CA047618.